The following is an entry in ClinVar:

ClinVar aggregate classification (germline): Uncertain significance (1 of 4 stars; one submission).

Conditions:
Ataxia-telangiectasia syndrome (AT). Also called: ATAXIA-TELANGIECTASIA, COMPLEMENTATION GROUP A; ATAXIA-TELANGIECTASIA, FRESNO VARIANT; LOUIS-BAR SYNDROME; Cerebello-oculocutaneous telangiectasia; Immunodeficiency with ataxia telangiectasia; Ataxia-telangiectasia, complementation group E. Identifiers: Orphanet 100, MedGen C0004135, MONDO:0008840, OMIM 208900.

Submission:

Labcorp Genetics (formerly Invitae), Labcorp
Classification: Uncertain significance for Ataxia-telangiectasia syndrome. Last evaluated: 2024-02-03. Review status: criteria provided, single submitter. Criteria: Invitae Variant Classification Sherloc (09022015). Collection method: clinical testing. Allele origin: germline.
Comment: This sequence change replaces leucine, which is neutral and non-polar, with proline, which is neutral and non-polar, at codon 811 of the ATM protein (p.Leu811Pro). This variant is not present in population databases (gnomAD no frequency). This variant has not been reported in the literature in individuals affected with ATM-related conditions. An algorithm developed to predict the effect of missense changes on protein structure and function (PolyPhen-2) suggests that this variant is likely to be disruptive. In summary, the available evidence is currently insufficient to determine the role of this variant in disease. Therefore, it has been classified as a Variant of Uncertain Significance.

NM_000051.4(ATM):c.2432T>C (p.Leu811Pro)

Gene: ATM (ATM serine/threonine kinase; plus strand). Cytogenetic location: 11q22.3.
Variant type: single nucleotide variant.
Coding change: c.2432T>C on transcript NM_000051.4 (MANE Select); coding-DNA position 2432, T replaced by C.
Protein change: p.Leu811Pro; replaces leucine 811 with proline.
Molecular consequence: missense variant.
Genome position (GRCh38, 1-based): chr11:108,259,041, T>C. VCF-style: chr11-108259041-T-C. GRCh37 (hg19) VCF-style: chr11-108129768-T-C.
Other names: c.2432T>C, p.Leu811Pro (NM_001351834.2); short protein forms L811P.
Identifiers: ClinVar variation 3638577 (VCV003638577.2).